The following is an entry in ClinVar:

NM_001733.7(C1R):c.646C>G (p.Pro216Ala)

Gene: C1R (complement C1r; minus strand). Cytogenetic location: 12p13.31.
Variant type: single nucleotide variant.
Coding change: c.646C>G on transcript NM_001733.7 (MANE Select); coding-DNA position 646, C replaced by G.
Protein change: p.Pro216Ala; replaces proline 216 with alanine.
Molecular consequence: missense variant.
Genome position (GRCh38, 1-based): chr12:7,089,415, G>C on the plus strand (C>G on the coding strand, the complement: C1R is on the minus strand). VCF-style: chr12-7089415-G-C. GRCh37 (hg19) VCF-style: chr12-7242011-G-C.
Other names: c.688C>G, p.Pro230Ala (NM_001354346.2); short protein forms P216A, P230A.
Identifiers: ClinVar variation 1065580 (VCV001065580.1), dbSNP rs367700816, ClinGen allele CA232468115.

ClinVar aggregate classification (germline): Uncertain significance (1 of 4 stars; one submission).

Conditions:
Ehlers-Danlos syndrome, periodontal type 1. Identifiers: Orphanet 75392, MedGen C4551499, MONDO:0020684, OMIM 130080.

gnomAD v4.1: 9 of 780,448 alleles (0.0012%); highest among the groups gnomAD compares: African/African-American, 0.0034%; no homozygotes.

Submission:

Johns Hopkins Genomics, Johns Hopkins University
Classification: Uncertain significance for Ehlers-Danlos syndrome, periodontal type 1. Last evaluated: 2021-04-15. Review status: criteria provided, single submitter. Criteria: ACMG Guidelines, 2015. Collection method: clinical testing. Allele origin: germline.
Comment: This C1R variant (rs367700816) is rare (<0.1%) in a large population dataset (gnomAD: 2/278922 total alleles; 0.0007%; no homozygotes) and has not been reported in ClinVar nor the literature, to our knowledge. Three bioinformatic tools queried predict that this substitution would be tolerated and the proline residue at this position is evolutionarily conserved across most mammalian species assessed. We consider the clinical significance of C1R c.646C>G to be uncertain at this time